The following is an entry in ClinVar:

ClinVar aggregate classification (germline): Pathogenic. Review status: criteria provided, multiple submitters, no conflicts (2 of 4 stars). 9 submissions from 9 submitters: Pathogenic (8). 1 of the submissions does not count toward it. Last evaluated 2025-07-25.

Conditions:
Inborn genetic diseases. Identifiers: MedGen C0950123, MeSH D030342.
Wilson disease (WND). Also called: Wilson's disease. Identifiers: Orphanet 905, MedGen C0019202, MONDO:0010200, OMIM 277900. Disease mechanism: loss of function.

Submissions (9):

Color Diagnostics, LLC DBA Color Health
Classification: Pathogenic for Wilson disease. Last evaluated: 2025-07-25. Review status: criteria provided, single submitter. Criteria: ACMG Guidelines, 2015. Collection method: clinical testing. Allele origin: germline.
Comment: This variant deletes 1 nucleotide in exon 8 of the ATP7B gene, creating a frameshift and premature translation stop signal. This variant is expected to result in an absent or non-functional protein product. This variant has been observed in individuals affected with autosomal recessive Wilson disease (PMID: 9554743, 23982005, 23159873, 31059521, 35782615), including several individuals who carried this variant in the homozygous state (PMID: 19118915) or compound heterozygous state with a second pathogenic ATP7B variant in trans (PMID: 16603785, 25704634, 26799313). This variant has not been identified in the general population by the Genome Aggregation Database (gnomAD). Loss of ATP7B function is a known mechanism of disease. Based on the available evidence, this variant is classified as Pathogenic.

Labcorp Genetics (formerly Invitae), Labcorp
Classification: Pathogenic for Wilson disease. Last evaluated: 2023-12-02. Review status: criteria provided, single submitter. Criteria: Invitae Variant Classification Sherloc (09022015). Collection method: clinical testing. Allele origin: germline.
Comment: This sequence change creates a premature translational stop signal (p.Met769Cysfs*38) in the ATP7B gene. It is expected to result in an absent or disrupted protein product. Loss-of-function variants in ATP7B are known to be pathogenic (PMID: 10441329, 16283883). This variant is not present in population databases (gnomAD no frequency). This premature translational stop signal has been observed in individual(s) with Wilson disease (PMID: 9554743, 16603785). In at least one individual the data is consistent with being in trans (on the opposite chromosome) from a pathogenic variant. It has also been observed to segregate with disease in related individuals. ClinVar contains an entry for this variant (Variation ID: 88957). For these reasons, this variant has been classified as Pathogenic.

All of Us Research Program, National Institutes of Health
Classification: Pathogenic for Wilson disease. Last evaluated: 2023-08-15. Review status: criteria provided, single submitter. Criteria: ACMG Guidelines, 2015. Collection method: clinical testing. Allele origin: germline. Inheritance: Autosomal recessive inheritance. Observed: 1 variant allele, 1 heterozygote.
Comment: This variant deletes 1 nucleotide in exon 8 of the ATP7B gene, creating a frameshift and premature translation stop signal. This variant is expected to result in an absent or non-functional protein product. This variant has been observed in over 10 individuals affected with autosomal recessive Wilson disease (PMID: 9554743, 23982005, 23159873, 31059521, 35782615), including three individuals in the homozygous state (PMID: 19118915) and three individuals in the compound heterozygous state with a second pathogenic ATP7B variant (PMID: 16603785, 25704634, 26799313). This variant has not been identified in the general population by the Genome Aggregation Database (gnomAD). Loss of ATP7B function is a known mechanism of disease. Based on the available evidence, this variant is classified as Pathogenic.

This study involves interpretation of variants in research participants for the purpose of population health screening. Participant phenotype was not available at the time of variant classification. Additional details can be found in publication PMID: 35346344, PMCID: PMC8962531

Baylor Genetics
Classification: Pathogenic for Wilson disease. Last evaluated: 2022-10-01. Review status: criteria provided, single submitter. Criteria: ACMG Guidelines, 2015. Collection method: clinical testing. Allele origin: unknown.

CeGaT Center for Human Genetics Tuebingen
Classification: Pathogenic. Last evaluated: 2022-08-01. Review status: criteria provided, single submitter. Criteria: CeGaT Center For Human Genetics Tuebingen Variant Classification Criteria Version 2. Collection method: clinical testing. Allele origin: germline. Affected: yes. Observed: 1 variant allele.
Comment: ATP7B: PVS1, PP1:Strong, PM2, PM3, PP4

Genome-Nilou Lab
Classification: Pathogenic for Wilson disease. Last evaluated: 2021-08-10. Review status: criteria provided, single submitter. Criteria: ACMG Guidelines, 2015. Collection method: clinical testing. Allele origin: germline. Affected: no.

Mendelics
Classification: Pathogenic for Wilson disease. Last evaluated: 2019-05-28. Review status: criteria provided, single submitter. Criteria: Mendelics Assertion Criteria 2017. Collection method: clinical testing. Allele origin: unknown.

Ambry Genetics
Classification: Pathogenic for Inborn genetic diseases. Last evaluated: 2017-06-14. Review status: criteria provided, single submitter. Criteria: Ambry Variant Classification Scheme 2023. Collection method: clinical testing. Allele origin: germline.
Comment: The c.2304delC pathogenic mutation, located in coding exon 8 of the ATP7B gene, results from a deletion of one nucleotide at nucleotide position 2304, causing a translational frameshift with a predicted alternate stop codon (p.M769Cfs*38). This mutation was first reported in an individual with Wilson disease; however, the second ATP7B alteration was not provided (Kim EK et al. Hum. Mutat., 1998;11:275-8). In a cohort of Chinese Han individuals with Wilson disease, this mutation was detected in conjunction with a second ATP7B alteration; however, the phase was not provided (Liu Y et al. Arch. Med. Res., 2015 Feb;46:164-9). In addition to the clinical data presented in the literature, this alteration is expected to result in loss of function by premature protein truncation or nonsense-mediated mRNA decay. As such, this alteration is interpreted as a disease-causing mutation.

Counsyl
Classification: Pathogenic for Wilson disease. Last evaluated: 2017-02-21. Review status: no assertion criteria provided. Collection method: clinical testing. Allele origin: unknown. Not counted in ClinVar's aggregate classification.

Literature cited by the submitters: PubMed 9554743 (cited by 5 submitters); PubMed 16603785 (cited by 4 submitters); PubMed 19118915 (cited by 3 submitters); PubMed 23159873 (cited by 3 submitters); PubMed 23982005 (cited by 3 submitters); PubMed 25704634 (cited by 4 submitters); PubMed 26799313 (cited by 3 submitters); PubMed 31059521 (cited by Color Diagnostics, LLC DBA Color Health and All of Us Research Program, National Institutes of Health); PubMed 35782615 (cited by Color Diagnostics, LLC DBA Color Health and All of Us Research Program, National Institutes of Health); PubMed 10441329 (cited by Labcorp Genetics (formerly Invitae), Labcorp); PubMed 16283883 (cited by Labcorp Genetics (formerly Invitae), Labcorp); PubMed 26819605 (cited by Counsyl); PubMed 8533760 (cited by Counsyl).

NM_000053.4(ATP7B):c.2304del (p.Met769fs)

Gene: ATP7B (ATPase copper transporting beta; minus strand). Cytogenetic location: 13q14.3.
Variant type: Deletion.
Coding change: c.2304del on transcript NM_000053.4 (MANE Select); coding-DNA position 2304, one base deleted (C; older notation c.2304delC).
Protein change: p.Met769fs; shifts the reading frame from methionine 769.
Molecular consequence: frameshift variant. On other transcripts: intron variant (2).
Genome position (GRCh38, 1-based): chr13:51,958,362, G deleted on the plus strand (C on the coding strand, the reverse complement: ATP7B is on the minus strand); the first of 6 consecutive G bases (chr13:51,958,362-51,958,367); deleting any one gives the same sequence. VCF-style (leftmost placement, unchanged base first): chr13-51958361-TG-T. GRCh37 (hg19) VCF-style: chr13-52532497-TG-T.
Other names: c.1971del, p.Met658fs (NM_001243182.2); c.2052del, p.Met685fs (NM_001330579.2); c.1870-755del (NM_001005918.3); c.2122-755del (NM_001330578.2); short protein forms M658fs, M685fs, M769fs.
Identifiers: ClinVar variation 88957 (VCV000088957.47), dbSNP rs137853287, ClinGen allele CA250059968.